The following is an entry in ClinVar:

ClinVar aggregate classification (germline): Pathogenic (1 of 4 stars; one submission).

Submission:

Labcorp Genetics (formerly Invitae), Labcorp
Classification: Pathogenic. Last evaluated: 2022-11-24. Review status: criteria provided, single submitter. Criteria: Invitae Variant Classification Sherloc (09022015). Collection method: clinical testing. Allele origin: germline.
Comment: This variant is not present in population databases (gnomAD no frequency). This variant has not been reported in the literature in individuals affected with CTSK-related conditions. This variant disrupts a region of the CTSK protein in which other variant(s) (p.Cys318Tyr) have been determined to be pathogenic (PMID: 20814951, 24057333, 27558267). This suggests that this is a clinically significant region of the protein, and that variants that disrupt it are likely to be disease-causing. For these reasons, this variant has been classified as Pathogenic. This sequence change results in a frameshift in the CTSK gene (p.Gly303Glufs*64). While this is not anticipated to result in nonsense mediated decay, it is expected to disrupt the last 27 amino acid(s) of the CTSK protein and extend the protein by 36 additional amino acid residues.

Literature cited by the submitters: PubMed 20814951; PubMed 24057333; PubMed 27558267.

NM_000396.4(CTSK):c.908del (p.Gly303fs)

Gene: CTSK (cathepsin K; minus strand). Cytogenetic location: 1q21.3.
Variant type: Deletion.
Coding change: c.908del on transcript NM_000396.4 (MANE Select); coding-DNA position 908, one base deleted (G; older notation c.908delG).
Protein change: p.Gly303fs; shifts the reading frame from glycine 303.
Molecular consequence: frameshift variant.
Genome position (GRCh38, 1-based): chr1:150,796,881, C deleted on the plus strand (G on the coding strand, the reverse complement: CTSK is on the minus strand); the first of 4 consecutive C bases (chr1:150,796,881-150,796,884); deleting any one gives the same sequence. VCF-style (leftmost placement, unchanged base first): chr1-150796880-TC-T. GRCh37 (hg19) VCF-style: chr1-150769356-TC-T.
Other names: short protein forms G303fs.
Identifiers: ClinVar variation 2815717 (VCV002815717.3), dbSNP rs2525161997, ClinGen allele CA2574054672.